The following is an entry in ClinVar:

NM_002734.5(PRKAR1A):c.894G>C (p.Gly298=)

Gene: PRKAR1A (protein kinase cAMP-dependent type I regulatory subunit alpha; plus strand). Cytogenetic location: 17q24.2.
Variant type: single nucleotide variant.
Coding change: c.894G>C on transcript NM_002734.5 (MANE Select); coding-DNA position 894, G replaced by C.
Protein change: p.Gly298=; no amino-acid change (glycine 298 retained).
Molecular consequence: synonymous variant.
Genome position (GRCh38, 1-based): chr17:68,529,922, G>C. VCF-style: chr17-68529922-G-C. GRCh37 (hg19) VCF-style: chr17-66526063-G-C.
Other names: c.894G>C, p.Gly298= (NM_001276289.2, NM_001276290.1, NM_001278433.2 and 4 more transcripts).
Identifiers: ClinVar variation 469079 (VCV000469079.18), dbSNP rs933520060, ClinGen allele CA293294198.

ClinVar aggregate classification (germline): Likely benign. Review status: criteria provided, multiple submitters, no conflicts (2 of 4 stars). 3 submissions from 3 submitters: Likely benign (2). 1 of the submissions does not count toward it. Last evaluated 2025-12-10.

Conditions:
PRKAR1A-related disorder. Also called: PRKAR1A-related condition.
Carney complex, type 1 (CNC1). Also called: CARNEY MYXOMA-ENDOCRINE COMPLEX; CARNEY COMPLEX, TYPE I. Identifiers: Orphanet 1359, MedGen C2607929, MONDO:0008057, OMIM 160980.
Hereditary cancer-predisposing syndrome. Also called: Hereditary neoplastic syndrome; Neoplastic Syndromes, Hereditary; Tumor predisposition; Hereditary Cancer Syndrome. Identifiers: Orphanet 140162, MedGen C0027672, MeSH D009386, MONDO:0015356.

Allele frequency attached by ClinVar (database versions not stated): gnomAD exomes below 0.00001; TOPMed below 0.00001; gnomAD 0.00001.
gnomAD v4.1: 7 of 1,613,910 alleles (0.00043%); highest among the groups gnomAD compares: Non-Finnish European, 0.00051%; no homozygotes.

Submissions (3):

Labcorp Genetics (formerly Invitae), Labcorp
Classification: Likely benign for Carney complex, type 1. Last evaluated: 2025-12-10. Review status: criteria provided, single submitter. Criteria: Invitae Variant Classification Sherloc (09022015). Collection method: clinical testing. Allele origin: germline.

Ambry Genetics
Classification: Likely benign for Hereditary cancer-predisposing syndrome. Last evaluated: 2018-12-10. Review status: criteria provided, single submitter. Criteria: Ambry Variant Classification Scheme 2023. Collection method: clinical testing. Allele origin: germline.

PreventionGenetics, part of Exact Sciences
Classification: Likely benign for PRKAR1A-related condition. Last evaluated: 2022-12-30. Review status: no assertion criteria provided. Collection method: clinical testing. Allele origin: germline. Not counted in ClinVar's aggregate classification.
Comment: This variant is classified as likely benign based on ACMG/AMP sequence variant interpretation guidelines (Richards et al. 2015 PMID: 25741868, with internal and published modifications).